The following is an entry in ClinVar:

NM_005633.4(SOS1):c.2168-42_2168-39del

Gene: SOS1 (SOS Ras/Rac guanine nucleotide exchange factor 1; minus strand). Cytogenetic location: 2p22.1.
Variant type: Microsatellite.
Coding change: c.2168-42_2168-39del on transcript NM_005633.4 (MANE Select); 42 bases into the intron before coding-DNA position 2168 through 39 bases into the intron before coding-DNA position 2168, 4 bases deleted (TAAA; older notation c.2168-42_2168-39delTAAA).
Molecular consequence: intron variant.
Genome position (GRCh38, 1-based): chr2:39,012,387-39,012,390, TTTA deleted on the plus strand (TAAA on the coding strand, the reverse complement: SOS1 is on the minus strand); deleting any 4 consecutive bases within chr2:39,012,387-39,012,394 gives the same sequence; the c. name uses the placement nearest the transcript's 3' end. VCF-style (leftmost placement, unchanged base first): chr2-39012386-CTTTA-C. GRCh37 (hg19) VCF-style: chr2-39239527-CTTTA-C.
Other names: c.2168-42_2168-39delTAAA (NM_005633.3); c.2147-42_2147-39del (NM_001382394.1); c.2168-42_2168-39del (NM_001382395.1).
Identifiers: ClinVar variation 561349 (VCV000561349.1), dbSNP rs544376690, ClinGen allele CA1624445.
Genomic context (GRCh38, chr2:39,012,386, plus strand): 5'-AACCCATTTTTTCATTGCTTTACCTGCAATACATTATATTTTAAATAACATTTAAATATT[CTTTA>C]TTTAATATTTTATATTTTAAAAATGGTTTAAAGTCACACGGATGACACCTGAATGTATCT-3'

ClinVar aggregate classification (germline): Likely benign (1 of 4 stars; one submission).

Submission:

GeneDx
Classification: Likely benign. Last evaluated: 2018-06-14. Review status: criteria provided, single submitter. Criteria: GeneDx Variant Classification (06012015). Collection method: clinical testing. Allele origin: germline. Affected: yes.
Comment: This variant is considered likely benign or benign based on one or more of the following criteria: it is a conservative change, it occurs at a poorly conserved position in the protein, it is predicted to be benign by multiple in silico algorithms, and/or has population frequency not consistent with disease.